The following is an entry in ClinVar:

ClinVar aggregate classification (germline): Likely benign (0 of 4 stars; one submission).

Conditions:
CLPTM1L-related disorder. Also called: CLPTM1L-related condition.

Allele frequency attached by ClinVar (database versions not stated): ExAC 0.00001; gnomAD 0.00001; TOPMed 0.00001.
gnomAD v4.1: 10 of 1,613,880 alleles (0.00062%); highest among the groups gnomAD compares: Middle Eastern, 0.016%; no homozygotes.

Submission:

PreventionGenetics, part of Exact Sciences
Classification: Likely benign for CLPTM1L-related condition. Last evaluated: 2024-02-16. Review status: no assertion criteria provided. Collection method: clinical testing. Allele origin: germline.
Comment: This variant is classified as likely benign based on ACMG/AMP sequence variant interpretation guidelines (Richards et al. 2015 PMID: 25741868, with internal and published modifications).

NM_030782.5(CLPTM1L):c.309G>A (p.Thr103=)

Gene: CLPTM1L (CLPTM1 like). Cytogenetic location: 5p15.33.
Variant type: single nucleotide variant.
Coding change: c.309G>A on transcript NM_030782.5 (MANE Select); coding-DNA position 309, G replaced by A.
Protein change: p.Thr103=; no amino-acid change (threonine 103 retained).
Molecular consequence: synonymous variant.
Genome position (GRCh38, 1-based): chr5:1,341,815, C>T on the plus strand (G>A on the coding strand, the complement: CLPTM1L is on the minus strand). VCF-style: chr5-1341815-C-T. GRCh37 (hg19) VCF-style: chr5-1341930-C-T.
Identifiers: ClinVar variation 3061444 (VCV003061444.2), dbSNP rs751677876, ClinGen allele CA3185683.